The following is an entry in ClinVar:

NM_033334.4(NR6A1):c.637C>T (p.Gln213Ter)

Gene: NR6A1 (nuclear receptor subfamily 6 group A member 1; minus strand). Cytogenetic location: 9q33.3.
Variant type: single nucleotide variant.
Coding change: c.637C>T on transcript NM_033334.4 (MANE Select); coding-DNA position 637, C replaced by T.
Protein change: p.Gln213Ter; replaces glutamine 213 with a stop codon.
Molecular consequence: nonsense.
Genome position (GRCh38, 1-based): chr9:124,538,279, G>A on the plus strand (C>T on the coding strand, the complement: NR6A1 is on the minus strand). VCF-style: chr9-124538279-G-A. GRCh37 (hg19) VCF-style: chr9-127300558-G-A.
Other names: c.625C>T, p.Gln209Ter (NM_001278546.2); c.634C>T, p.Gln212Ter (NM_001410996.1); c.622C>T, p.Gln208Ter (NM_001489.5); short protein forms Q208*, Q209*, Q212*, Q213*.
Identifiers: ClinVar variation 4532114 (VCV004532114.1).

ClinVar aggregate classification (germline): Pathogenic (1 of 4 stars; one submission).

Conditions:
Oculovertebral syndrome. Identifiers: MedGen C6065896, MONDO:0979866, OMIM 621277.

Submission:

Victorian Clinical Genetics Services, Murdoch Childrens Research Institute
Classification: Pathogenic for Oculovertebral syndrome. Last evaluated: 2025-10-24. Review status: criteria provided, single submitter. Criteria: ACMG Guidelines, 2015. Collection method: clinical testing. Allele origin: germline. Affected: yes.
Comment: This variant is classified as Pathogenic. Evidence in support of pathogenic classification: Variant is predicted to cause nonsense-mediated decay (NMD) and loss of protein (premature termination codon is located at least 54 nucleotides upstream of the final exon-exon junction); Variant is absent from gnomAD (v2, v3 and v4); Other NMD-predicted variant(s) comparable to the one identified in this case have strong previous evidence for pathogenicity. Multiple NMD-predicted variants have been reported in the literature in individuals/families with a variable phenotype of oculo-vertebral-renal syndrome (PMIDs: 40610405, 40774958); Additional information: This variant is heterozygous; This gene is associated with autosomal dominant disease; This variant has no previous evidence of pathogenicity; No published evidence of segregation with disease has been identified for this variant; No published functional evidence has been identified for this variant; Loss of function is a known mechanism of disease in this gene and is associated with cculovertebral syndrome (MIM#621277); Variants in this gene are known to have variable expressivity. Intra- and inter-familial expressivity has been described (PMIDs: 40774958, 40610405).

Literature cited by the submitters: PubMed 40610405; PubMed 40774958.